The following is an entry in ClinVar:

NM_004183.4(BEST1):c.1514_1515del (p.Val505fs)

Gene: BEST1 (bestrophin 1; plus strand). Cytogenetic location: 11q12.3.
Variant type: Microsatellite.
Coding change: c.1514_1515del on transcript NM_004183.4 (MANE Select); coding-DNA positions 1514 to 1515, 2 bases deleted (TG; older notation c.1514_1515delTG).
Protein change: p.Val505fs; shifts the reading frame from valine 505.
Molecular consequence: frameshift variant. On other transcripts: non-coding transcript variant (1).
Genome position (GRCh38, 1-based): chr11:61,962,668-61,962,669, TG deleted; deleting any 2 consecutive bases within chr11:61,962,666-61,962,669 gives the same sequence; the c. name uses the placement nearest the transcript's 3' end. VCF-style (leftmost placement, unchanged base first): chr11-61962665-CTG-C. GRCh37 (hg19) VCF-style: chr11-61730137-CTG-C.
Other names: c.1514_1515del (NM_004183.3); c.1332_1333TG[1], p.Val445Glufs (NM_001139443.3); c.1253_1254del, p.Val418fs (NM_001300786.2); c.1334_1335del, p.Val445fs (NM_001300787.2); c.1194_1195TG[1], p.Val399Glufs (NM_001363591.3); c.*407_*408TG[1] (NM_001363592.2); c.540_541TG[1], p.Val181Glufs (NM_001363593.3); short protein forms V445fs, V399fs, V181fs, V418fs, V505fs.
Identifiers: ClinVar variation 505511 (VCV000505511.15), dbSNP rs752521456, ClinGen allele CA6041070.

ClinVar aggregate classification (germline): Pathogenic/Likely pathogenic. Review status: criteria provided, multiple submitters, no conflicts (2 of 4 stars). 5 submissions from 5 submitters: Pathogenic (2); Likely pathogenic (3). Last evaluated 2026-08-04.

Conditions:
BEST1-related disorder. Also called: BEST1-related condition; BEST1-related disorders. Identifiers: MedGen CN239200.
Retinal dystrophy. Also called: Inherited retinal dystrophy. Identifiers: Orphanet 71862, MedGen C0854723, MeSH D058499, MONDO:0019118, HP:0000556.
Autosomal recessive bestrophinopathy. Also called: Autosomal Recessive Bestrophinopathy (ARB). Identifiers: Orphanet 139455, MedGen C3888198, MONDO:0012733, OMIM 611809.

Submissions (5):

PreventionGenetics, part of Exact Sciences
Classification: Pathogenic for BEST1-related condition. Last evaluated: 2026-08-04. Review status: criteria provided, single submitter. Criteria: ACMG Guidelines, 2015. Collection method: clinical testing. Allele origin: germline.
Comment: The BEST1 c.1514_1515delTG variant is predicted to result in a frameshift and premature protein termination (p.Val505Glufs*9). This variant was reported in an individual with a suspected bestrophinopathy (Bitan et al. 2025. PubMed ID: 40891781). This variant is reported in 0.0054% of alleles in individuals of East Asian descent in gnomAD. Frameshift variants in BEST1 are expected to be pathogenic. This variant is interpreted as pathogenic for autosomal recessive disease.

Revvity Omics, Revvity
Classification: Likely pathogenic. Last evaluated: 2025-03-12. Review status: criteria provided, single submitter. Criteria: ACMG Guidelines, 2015. Collection method: clinical testing. Allele origin: germline.

Labcorp Genetics (formerly Invitae), Labcorp
Classification: Pathogenic. Last evaluated: 2023-07-12. Review status: criteria provided, single submitter. Criteria: Invitae Variant Classification Sherloc (09022015). Collection method: clinical testing. Allele origin: germline.
Comment: For these reasons, this variant has been classified as Pathogenic. ClinVar contains an entry for this variant (Variation ID: 505511). This variant has not been reported in the literature in individuals affected with BEST1-related conditions. This variant is present in population databases (rs752521456, gnomAD 0.006%). This sequence change creates a premature translational stop signal (p.Val505Glufs*9) in the BEST1 gene. It is expected to result in an absent or disrupted protein product. Loss-of-function variants in BEST1 are known to be pathogenic (PMID: 21825197).

Institute of Human Genetics, Univ. Regensburg, Univ. Regensburg
Classification: Likely pathogenic for Retinal dystrophy. Last evaluated: 2022-01-01. Review status: criteria provided, single submitter. Criteria: ACMG Guidelines, 2015. Collection method: clinical testing. Allele origin: germline. Affected: yes.

Laboratory for Molecular Medicine, Mass General Brigham Personalized Medicine
Classification: Likely pathogenic for Autosomal recessive bestrophinopathy. Last evaluated: 2017-01-30. Review status: criteria provided, single submitter. Criteria: LMM Criteria. Collection method: clinical testing. Allele origin: germline. Inheritance: Autosomal recessive inheritance. Observed: 2 variant alleles.
Comment: The p.Val505GlufsX9 (NM_004183.3 c.1514_1515delTG) variant in BEST1 has not been reported in the literature. This variant is predicted to cause a frameshift, wh ich alters the protein?s amino acid sequence beginning at position 505 and leads to a premature termination codon 9 amino acids downstream. This alteration is t hen predicted to lead to a truncated or absent protein. Biallelic loss of functi on of the BEST1 gene has been associated with autosomal recessive bestrophinopat hy. This variant has been identified in 3/121,356 of chromosomes by the Exome Ag gregation Consortium (ExAC; dbSNP rs752521456). Although this variant has been seen in the general population, its frequency is low enough to be consistent with a recessive carrier frequency. In summary, alt hough additional studies are required to fully establish a null effect on the pr otein, the p.Val505GlufsX9 variant in BEST1 is likely pathogenic for bestrophin opathy in an autosomal recessive manner based upon its predicted functional impa ct.

Literature cited by the submitters: PubMed 21825197 (cited by Labcorp Genetics (formerly Invitae), Labcorp); PubMed 30609409 (cited by Institute of Human Genetics, Univ. Regensburg, Univ. Regensburg); PubMed 19375515 (cited by Laboratory for Molecular Medicine, Mass General Brigham Personalized Medicine).